The following is an entry in ClinVar:

ClinVar aggregate classification (germline): Uncertain significance. Review status: criteria provided, multiple submitters, no conflicts (2 of 4 stars). 2 submissions from 2 submitters: Uncertain significance (2). Last evaluated 2025-11-19.

Conditions:
Inborn genetic diseases. Identifiers: MedGen C0950123, MeSH D030342.

Allele frequency attached by ClinVar (database versions not stated): gnomAD exomes below 0.00001; TOPMed below 0.00001; ExAC 0.00001.
gnomAD v4.1: 5 of 1,613,824 alleles (0.00031%); highest among the groups gnomAD compares: Non-Finnish European, 0.00042%; no homozygotes.

Submissions (2):

Ambry Genetics
Classification: Uncertain significance for Inborn genetic diseases. Last evaluated: 2025-11-19. Review status: criteria provided, single submitter. Criteria: Ambry Variant Classification Scheme 2023. Collection method: clinical testing. Allele origin: germline.

Labcorp Genetics (formerly Invitae), Labcorp
Classification: Uncertain significance. Last evaluated: 2024-10-24. Review status: criteria provided, single submitter. Criteria: Invitae Variant Classification Sherloc (09022015). Collection method: clinical testing. Allele origin: germline.
Comment: This sequence change replaces valine, which is neutral and non-polar, with isoleucine, which is neutral and non-polar, at codon 2138 of the PCNT protein (p.Val2138Ile). This variant is present in population databases (rs770179351, gnomAD 0.0009%). This variant has not been reported in the literature in individuals affected with PCNT-related conditions. ClinVar contains an entry for this variant (Variation ID: 1469575). An algorithm developed to predict the effect of missense changes on protein structure and function (PolyPhen-2) suggests that this variant is likely to be tolerated. In summary, the available evidence is currently insufficient to determine the role of this variant in disease. Therefore, it has been classified as a Variant of Uncertain Significance.

NM_006031.6(PCNT):c.6412G>A (p.Val2138Ile)

Gene: PCNT (pericentrin; plus strand). Cytogenetic location: 21q22.3.
Variant type: single nucleotide variant.
Coding change: c.6412G>A on transcript NM_006031.6 (MANE Select); coding-DNA position 6412, G replaced by A.
Protein change: p.Val2138Ile; replaces valine 2138 with isoleucine.
Molecular consequence: missense variant.
Genome position (GRCh38, 1-based): chr21:46,416,330, G>A. VCF-style: chr21-46416330-G-A. GRCh37 (hg19) VCF-style: chr21-47836244-G-A.
Other names: c.6058G>A, p.Val2020Ile (NM_001315529.2); c.6412G>A (NM_006031.5); short protein forms V2020I, V2138I.
Identifiers: ClinVar variation 1469575 (VCV001469575.6), dbSNP rs770179351, ClinGen allele CA10080326.